The following is an entry in ClinVar:

NM_000038.6(APC):c.2275G>T (p.Ala759Ser)

Gene: APC (APC regulator of Wnt signaling pathway; plus strand). Cytogenetic location: 5q22.2.
Variant type: single nucleotide variant.
Coding change: c.2275G>T on transcript NM_000038.6 (MANE Select); coding-DNA position 2275, G replaced by T.
Protein change: p.Ala759Ser; replaces alanine 759 with serine.
Molecular consequence: missense variant.
Genome position (GRCh38, 1-based): chr5:112,837,869, G>T. VCF-style: chr5-112837869-G-T. GRCh37 (hg19) VCF-style: chr5-112173566-G-T.
Other names: c.2275G>T, p.Ala759Ser (NM_001127510.3, NM_001354895.2); c.2221G>T, p.Ala741Ser (NM_001127511.3); c.2329G>T, p.Ala777Ser (NM_001354896.2); c.2305G>T, p.Ala769Ser (NM_001354897.2); c.2200G>T, p.Ala734Ser (NM_001354898.2); c.2191G>T, p.Ala731Ser (NM_001354899.2); c.2152G>T, p.Ala718Ser (NM_001354900.2); c.2098G>T, p.Ala700Ser (NM_001354901.2); and 5 more; short protein forms A658S, A668S, A769S, A777S, A633S, A734S, A476S, A599S.
Identifiers: ClinVar variation 1482668 (VCV001482668.8), dbSNP rs2149865111, ClinGen allele CA16026317.
Genomic context (GRCh38, chr5:112,837,869, plus strand): 5'-GATGCCAATATTATGTCTCCTGGCTCAAGCTTGCCATCTCTTCATGTTAGGAAACAAAAA[G>T]CCCTAGAAGCAGAATTAGATGCTCAGCACTTATCAGAAACTTTTGACAATATAGACAATT-3'
Protein context (NP_000029.2, residues 749-769): LPSLHVRKQK[Ala759Ser]LEAELDAQHL

ClinVar aggregate classification (germline): Uncertain significance (1 of 4 stars; one submission).

Conditions:
Familial adenomatous polyposis 1 (FAP1). Also called: FAMILIAL ADENOMATOUS POLYPOSIS 1, ATTENUATED; POLYPOSIS, ADENOMATOUS INTESTINAL. Identifiers: MedGen C2713442, MONDO:0021056, OMIM 175100. Disease mechanism: loss of function.

Submission:

Labcorp Genetics (formerly Invitae), Labcorp
Classification: Uncertain significance for Familial adenomatous polyposis 1. Last evaluated: 2023-11-10. Review status: criteria provided, single submitter. Criteria: Invitae Variant Classification Sherloc (09022015). Collection method: clinical testing. Allele origin: germline.
Comment: This sequence change replaces alanine, which is neutral and non-polar, with serine, which is neutral and polar, at codon 759 of the APC protein (p.Ala759Ser). This variant is not present in population databases (gnomAD no frequency). This variant has not been reported in the literature in individuals affected with APC-related conditions. ClinVar contains an entry for this variant (Variation ID: 1482668). Advanced modeling of protein sequence and biophysical properties (such as structural, functional, and spatial information, amino acid conservation, physicochemical variation, residue mobility, and thermodynamic stability) performed at Invitae indicates that this missense variant is not expected to disrupt APC protein function with a negative predictive value of 95%. In summary, the available evidence is currently insufficient to determine the role of this variant in disease. Therefore, it has been classified as a Variant of Uncertain Significance.